The following is an entry in ClinVar:

NM_181486.4(TBX5):c.119C>G (p.Ser40Trp)

Gene: TBX5 (T-box transcription factor 5; minus strand). Cytogenetic location: 12q24.21.
Variant type: single nucleotide variant.
Coding change: c.119C>G on transcript NM_181486.4 (MANE Select); coding-DNA position 119, C replaced by G.
Protein change: p.Ser40Trp; replaces serine 40 with tryptophan.
Molecular consequence: missense variant. On other transcripts: intron variant (1).
Genome position (GRCh38, 1-based): chr12:114,403,780, G>C on the plus strand (C>G on the coding strand, the complement: TBX5 is on the minus strand). VCF-style: chr12-114403780-G-C. GRCh37 (hg19) VCF-style: chr12-114841585-G-C.
Other names: c.119C>G, p.Ser40Trp (NM_000192.3); c.-3-1860C>G (NM_080717.4); short protein forms S40W.
Identifiers: ClinVar variation 1746818 (VCV001746818.2), dbSNP rs903933027, ClinGen allele CA244132190.

ClinVar aggregate classification (germline): Uncertain significance (1 of 4 stars; one submission).

Conditions:
Cardiovascular phenotype. Identifiers: MedGen CN230736.

Submission:

Ambry Genetics
Classification: Uncertain significance for Cardiovascular phenotype. Last evaluated: 2019-10-18. Review status: criteria provided, single submitter. Criteria: Ambry Variant Classification Scheme 2023. Collection method: clinical testing. Allele origin: germline.
Comment: The p.S40W variant (also known as c.119C>G), located in coding exon 1 of the TBX5 gene, results from a C to G substitution at nucleotide position 119. The serine at codon 40 is replaced by tryptophan, an amino acid with highly dissimilar properties. This amino acid position is not well conserved in available vertebrate species. In addition, the in silico prediction for this alteration is inconclusive. Since supporting evidence is limited at this time, the clinical significance of this alteration remains unclear.